The following is an entry in ClinVar:

NM_001035.3(RYR2):c.7329A>G (p.Pro2443=)

Gene: RYR2 (ryanodine receptor 2; plus strand). Cytogenetic location: 1q43.
Variant type: single nucleotide variant.
Coding change: c.7329A>G on transcript NM_001035.3 (MANE Select); coding-DNA position 7329, A replaced by G.
Protein change: p.Pro2443=; no amino-acid change (proline 2443 retained).
Molecular consequence: synonymous variant.
Genome position (GRCh38, 1-based): chr1:237,643,434, A>G. VCF-style: chr1-237643434-A-G. GRCh37 (hg19) VCF-style: chr1-237806734-A-G.
Other names: c.7329A>G (NM_001035.2).
Identifiers: ClinVar variation 1115452 (VCV001115452.16), dbSNP rs375553387, ClinGen allele CA39792030.

ClinVar aggregate classification (germline): Likely benign. Review status: criteria provided, multiple submitters, no conflicts (2 of 4 stars). 5 submissions from 5 submitters: Likely benign (5). Last evaluated 2026-01-19.

Conditions:
Cardiovascular phenotype. Identifiers: MedGen CN230736.
Catecholaminergic polymorphic ventricular tachycardia 1. Also called: VENTRICULAR TACHYCARDIA, CATECHOLAMINERGIC POLYMORPHIC, 1, WITH OR WITHOUT ATRIAL DYSFUNCTION AND/OR DILATED CARDIOMYOPATHY; RYR2-Related Catecholaminergic Polymorphic Ventricular Tachycardia; VENTRICULAR TACHYCARDIA, STRESS-INDUCED POLYMORPHIC 1. Identifiers: Orphanet 3286, MedGen C1631597, MONDO:0011484, OMIM 604772.
Catecholaminergic polymorphic ventricular tachycardia (CVPT). Also called: Catecholamine-induced polymorphic ventricular tachycardia. Identifiers: Orphanet 3286, MedGen C5574922, MONDO:0017990.
Cardiomyopathy (CMYO). Also called: Cardiomyopathies. Identifiers: Orphanet 167848, MedGen C0878544, MONDO:0004994, HP:0001638. Inheritance: Various modes of inheritance.

Allele frequency attached by ClinVar (database versions not stated): gnomAD exomes below 0.00001; gnomAD 0.00002 and 0.00003; TOPMed 0.00003; ESP Exome Variant Server 0.00008.
gnomAD v4.1: 6 of 1,613,916 alleles (0.00037%); highest among the groups gnomAD compares: African/African-American, 0.008%; no homozygotes.

Submissions (5):

Labcorp Genetics (formerly Invitae), Labcorp
Classification: Likely benign for Catecholaminergic polymorphic ventricular tachycardia 1. Last evaluated: 2026-01-19. Review status: criteria provided, single submitter. Criteria: Invitae Variant Classification Sherloc (09022015). Collection method: clinical testing. Allele origin: germline.

Women's Health and Genetics/Laboratory Corporation of America, LabCorp
Classification: Likely benign. Last evaluated: 2025-07-09. Review status: criteria provided, single submitter. Criteria: LabCorp Variant Classification Summary - May 2015. Collection method: clinical testing. Allele origin: germline.

All of Us Research Program, National Institutes of Health
Classification: Likely benign for Catecholaminergic polymorphic ventricular tachycardia. Last evaluated: 2023-06-28. Review status: criteria provided, single submitter. Criteria: ACMG Guidelines, 2015. Collection method: clinical testing. Allele origin: germline. Inheritance: Autosomal dominant inheritance. Observed: 1 variant allele, 1 heterozygote.
Comment: This study involves interpretation of variants in research participants for the purpose of population health screening. Participant phenotype was not available at the time of variant classification. Additional details can be found in publication PMID: 35346344, PMCID: PMC8962531

Ambry Genetics
Classification: Likely benign for Cardiovascular phenotype. Last evaluated: 2021-10-12. Review status: criteria provided, single submitter. Criteria: Ambry Variant Classification Scheme 2023. Collection method: clinical testing. Allele origin: germline.

Color Diagnostics, LLC DBA Color Health
Classification: Likely benign for Cardiomyopathy. Last evaluated: 2020-12-22. Review status: criteria provided, single submitter. Criteria: ACMG Guidelines, 2015. Collection method: clinical testing. Allele origin: germline.